The following is an entry in ClinVar:

NM_000540.3(RYR1):c.6902A>T (p.Tyr2301Phe)

Gene: RYR1 (ryanodine receptor 1; plus strand). Cytogenetic location: 19q13.2.
Variant type: single nucleotide variant.
Coding change: c.6902A>T on transcript NM_000540.3 (MANE Select); coding-DNA position 6902, A replaced by T.
Protein change: p.Tyr2301Phe; replaces tyrosine 2301 with phenylalanine.
Molecular consequence: missense variant.
Genome position (GRCh38, 1-based): chr19:38,499,118, A>T. VCF-style: chr19-38499118-A-T. GRCh37 (hg19) VCF-style: chr19-38989758-A-T.
Other names: c.6902A>T, p.Tyr2301Phe (NM_001042723.2); short protein forms Y2301F.
Identifiers: ClinVar variation 5028635 (VCV005028635.1).

ClinVar aggregate classification (germline): Uncertain significance (1 of 4 stars; one submission).

Conditions:
Inborn genetic diseases. Identifiers: MedGen C0950123, MeSH D030342.

gnomAD v4.1: 1 of 1,613,982 alleles (0.000062%); highest among the groups gnomAD compares: South Asian, 0.0011%; no homozygotes.

Submission:

Ambry Genetics
Classification: Uncertain significance for Inborn genetic diseases. Last evaluated: 2026-07-07. Review status: criteria provided, single submitter. Criteria: Ambry Variant Classification Scheme 2023. Collection method: clinical testing. Allele origin: germline.
Comment: The p.Y2301F variant (also known as c.6902A>T), located in coding exon 43 of the RYR1 gene, results from an A to T substitution at nucleotide position 6902. The tyrosine at codon 2301 is replaced by phenylalanine, an amino acid with highly similar properties. This amino acid position is conserved. In addition, the in silico prediction for this alteration is inconclusive. Based on the available evidence, the clinical significance of this variant remains unclear.